The following is an entry in ClinVar:

ClinVar aggregate classification (germline): Benign/Likely benign. Review status: criteria provided, multiple submitters, no conflicts (2 of 4 stars). 3 submissions from 3 submitters: Benign (1); Likely benign (1). 1 of the submissions does not count toward it. Last evaluated 2025-08-19.

Conditions:
NUP133-related disorder. Also called: NUP133-related condition.

Allele frequency attached by ClinVar (database versions not stated): ESP Exome Variant Server 0.00031; gnomAD exomes 0.00033; gnomAD 0.00041; TOPMed 0.00044; 1000 Genomes Project 30x 0.00047; ExAC 0.00048; 1000 Genomes Project 0.00060.
gnomAD v4.1: 538 of 1,613,404 alleles (0.033%); highest among the groups gnomAD compares: East Asian, 0.83%; no homozygotes.

Submissions (3):

Labcorp Genetics (formerly Invitae), Labcorp
Classification: Benign. Last evaluated: 2025-08-19. Review status: criteria provided, single submitter. Criteria: Invitae Variant Classification Sherloc (09022015). Collection method: clinical testing. Allele origin: germline.

Blueprint Genetics
Classification: Likely benign. Last evaluated: 2024-11-15. Review status: criteria provided, single submitter. Criteria: ACMG Guidelines, 2015. Collection method: clinical testing. Allele origin: germline.

PreventionGenetics, part of Exact Sciences
Classification: Likely benign for NUP133-related condition. Last evaluated: 2019-09-10. Review status: no assertion criteria provided. Collection method: clinical testing. Allele origin: germline. Not counted in ClinVar's aggregate classification.
Comment: This variant is classified as likely benign based on ACMG/AMP sequence variant interpretation guidelines (Richards et al. 2015 PMID: 25741868, with internal and published modifications).

NM_018230.3(NUP133):c.249G>A (p.Thr83=)

Gene: NUP133 (nucleoporin 133; minus strand). Cytogenetic location: 1q42.13.
Variant type: single nucleotide variant.
Coding change: c.249G>A on transcript NM_018230.3 (MANE Select); coding-DNA position 249, G replaced by A.
Protein change: p.Thr83=; no amino-acid change (threonine 83 retained).
Molecular consequence: synonymous variant.
Genome position (GRCh38, 1-based): chr1:229,506,092, C>T on the plus strand (G>A on the coding strand, the complement: NUP133 is on the minus strand). VCF-style: chr1-229506092-C-T. GRCh37 (hg19) VCF-style: chr1-229641839-C-T.
Other names: c.249G>A (NM_018230.2).
Identifiers: ClinVar variation 2059449 (VCV002059449.7), dbSNP rs78022241, ClinGen allele CA1443888.